The following is an entry in ClinVar:

ClinVar aggregate classification (germline): Uncertain significance (1 of 4 stars; one submission).

Conditions:
Brugada syndrome. Also called: Sudden unexplained nocturnal death syndrome; Sudden unexpected nocturnal death syndrome; Sudden Unexplained Death Syndrome; Sudden Unexplained Nocturnal Death Syndrome (SUNDS). Identifiers: Orphanet 130, MedGen C1142166, MONDO:0015263.

Allele frequency attached by ClinVar (database versions not stated): TOPMed below 0.00001; ExAC 0.00001; gnomAD 0.00001; gnomAD exomes 0.00001.
gnomAD v4.1: 21 of 1,611,932 alleles (0.0013%); highest among the groups gnomAD compares: South Asian, 0.011%; 1 homozygote.

Submission:

Labcorp Genetics (formerly Invitae), Labcorp
Classification: Uncertain significance for Brugada syndrome. Last evaluated: 2019-10-21. Review status: criteria provided, single submitter. Criteria: Invitae Variant Classification Sherloc (09022015). Collection method: clinical testing. Allele origin: germline.
Comment: In summary, the available evidence is currently insufficient to determine the role of this variant in disease. Therefore, it has been classified as a Variant of Uncertain Significance. Algorithms developed to predict the effect of missense changes on protein structure and function are either unavailable or do not agree on the potential impact of this missense change (SIFT: "Deleterious"; PolyPhen-2: "Benign"; Align-GVGD: "Class C0"). This variant has not been reported in the literature in individuals with SCN10A-related conditions. This variant is present in population databases (rs771671647, ExAC 0.007%). This sequence change replaces phenylalanine with leucine at codon 505 of the SCN10A protein (p.Phe505Leu). The phenylalanine residue is highly conserved and there is a small physicochemical difference between phenylalanine and leucine.

NM_006514.4(SCN10A):c.1513T>C (p.Phe505Leu)

Gene: SCN10A (sodium voltage-gated channel alpha subunit 10; minus strand). Cytogenetic location: 3p22.2.
Variant type: single nucleotide variant.
Coding change: c.1513T>C on transcript NM_006514.4 (MANE Select); coding-DNA position 1513, T replaced by C.
Protein change: p.Phe505Leu; replaces phenylalanine 505 with leucine.
Molecular consequence: missense variant. On other transcripts: intron variant (1).
Genome position (GRCh38, 1-based): chr3:38,752,461, A>G on the plus strand (T>C on the coding strand, the complement: SCN10A is on the minus strand). VCF-style: chr3-38752461-A-G. GRCh37 (hg19) VCF-style: chr3-38793952-A-G.
Other names: c.1513T>C, p.Phe505Leu (NM_001293306.2); c.1462-2277T>C (NM_001293307.2); short protein forms F505L.
Identifiers: ClinVar variation 971286 (VCV000971286.6), dbSNP rs771671647, ClinGen allele CA2320826.